The following is an entry in ClinVar:

ClinVar aggregate classification (germline): Uncertain significance. Review status: criteria provided, multiple submitters, no conflicts (2 of 4 stars). 2 submissions from 2 submitters: Uncertain significance (2). Last evaluated 2024-12-16.

Allele frequency attached by ClinVar (database versions not stated): TOPMed 0.00001; gnomAD 0.00003 and 0.00004; 1000 Genomes Project 0.00040; 1000 Genomes Project 30x 0.00047.
gnomAD v4.1: 55 of 1,613,330 alleles (0.0034%); highest among the groups gnomAD compares: East Asian, 0.016%; no homozygotes.

Submissions (4):

Labcorp Genetics (formerly Invitae), Labcorp
Classification: Uncertain significance. Last evaluated: 2024-12-16. Review status: criteria provided, single submitter. Criteria: Invitae Variant Classification Sherloc (09022015). Collection method: clinical testing. Allele origin: germline.
Comment: This sequence change replaces glycine, which is neutral and non-polar, with serine, which is neutral and polar, at codon 136 of the NFKB1 protein (p.Gly136Ser). This variant is present in population databases (rs199574943, gnomAD 0.05%), and has an allele count higher than expected for a pathogenic variant. This variant has not been reported in the literature in individuals affected with NFKB1-related conditions. ClinVar contains an entry for this variant (Variation ID: 809643). An algorithm developed to predict the effect of missense changes on protein structure and function outputs the following: PolyPhen-2: "Benign". The serine amino acid residue is found in multiple mammalian species, which suggests that this missense change does not adversely affect protein function. Experimental studies have shown that this missense change does not substantially affect NFKB1 function (PMID: 36105815). In summary, the available evidence is currently insufficient to determine the role of this variant in disease. Therefore, it has been classified as a Variant of Uncertain Significance.

CeGaT Center for Human Genetics Tuebingen
Classification: Uncertain significance. Last evaluated: 2018-03-01. Review status: criteria provided, single submitter. Criteria: CeGaT Center For Human Genetics Tuebingen Variant Classification Criteria Version 2. Collection method: clinical testing. Allele origin: germline. Affected: yes. Observed: 1 variant allele.

Dr. Peter K. Rogan Lab, Western University
No classification provided (evidence only). Condition: Gastric cancer. Review status: no classification provided. Collection method: in vitro. Allele origin: not applicable. Functional consequence: retained intron. Not counted in ClinVar's aggregate classification.

Dr. Peter K. Rogan Lab, Western University
No classification provided (evidence only). Condition: Gastric cancer. Review status: no classification provided. Collection method: in vitro. Allele origin: not applicable. Functional consequence: retained intron. Not counted in ClinVar's aggregate classification.

Literature cited by the submitters: PubMed 36105815 (cited by Labcorp Genetics (formerly Invitae), Labcorp).

NM_003998.4(NFKB1):c.406G>A (p.Gly136Ser)

Gene: NFKB1 (nuclear factor kappa B subunit 1; plus strand). Cytogenetic location: 4q24.
Variant type: single nucleotide variant.
Coding change: c.406G>A on transcript NM_003998.4 (MANE Select); coding-DNA position 406, G replaced by A.
Protein change: p.Gly136Ser; replaces glycine 136 with serine.
Molecular consequence: missense variant.
Genome position (GRCh38, 1-based): chr4:102,567,134, G>A. VCF-style: chr4-102567134-G-A. GRCh37 (hg19) VCF-style: chr4-103488291-G-A.
Other names: c.403G>A, p.Gly135Ser (NM_001165412.2, NM_001319226.2); short protein forms G135S, G136S.
Identifiers: ClinVar variation 809643 (VCV000809643.48), dbSNP rs199574943, ClinGen allele CA3025872.
Genomic context (GRCh38, chr4:102,567,134, plus strand): 5'-GGAAAACACTGTGAGGATGGGATCTGCACTGTAACTGCTGGACCCAAGGACATGGTGGTC[G>A]GGTAAGTAGGGGTATATGATGCTGTGGAAGGTAGGAACAGATAGAATATGGGATGCAGGA-3'
Protein context (NP_003989.2, residues 126-146): VTAGPKDMVV[Gly136Ser]FANLGILHVT